The following is an entry in ClinVar:

ClinVar aggregate classification (germline): Uncertain significance. Review status: criteria provided, multiple submitters, no conflicts (2 of 4 stars). 2 submissions from 2 submitters: Uncertain significance (2). Last evaluated 2025-07-03.

Conditions:
OFD1-related ciliopathy. Identifiers: MedGen CN379779, MONDO:1040039.

Allele frequency attached by ClinVar (database versions not stated): gnomAD exomes below 0.00001.
gnomAD v4.1: 1 of 1,211,784 alleles (0.000083%); highest among the groups gnomAD compares: Admixed American, 0.0022%; no homozygotes.

Submissions (3):

GeneDx
Classification: Uncertain significance. Last evaluated: 2025-07-03. Review status: criteria provided, single submitter. Criteria: GeneDx Variant Classification Process June 2021. Collection method: clinical testing. Allele origin: germline.
Comment: Not observed at significant frequency in large population cohorts (gnomAD); In silico analysis supports that this missense variant has a deleterious effect on protein structure/function; Has not been previously published as pathogenic or benign to our knowledge

Illumina Laboratory Services, Illumina
Classification: Uncertain significance for OFD1-related ciliopathy. Last evaluated: 2020-11-09. Review status: criteria provided, single submitter. Criteria: ICSLVariantClassificationCriteria RUGD 01 April 2020. Collection method: clinical testing. Allele origin: unknown.
Comment: The OFD1 c.50A>G (p.Asp17Gly) variant is a missense variant. A literature search was performed for the gene, cDNA change, and amino acid change. No publications were found based on this search. This variant is not found in the Genome Aggregation Database in a region of good sequence coverage, so the variant is presumed to be rare. Based on the limited evidence and application of the ACMG criteria, the p.Asp17Gly variant is classified as a variant of uncertain significance for OFD1-related ciliopathy.

Dr. Peter K. Rogan Lab, Western University
No classification provided (evidence only). Condition: Nonpapillary renal cell carcinoma. Review status: no classification provided. Collection method: in vitro. Allele origin: not applicable. Functional consequence: retained intron. Not counted in ClinVar's aggregate classification.

NM_003611.3(OFD1):c.50A>G (p.Asp17Gly)

Genes: OFD1 (OFD1 centriole and centriolar satellite protein; plus strand), LOC126863212 (CDK7 strongly-dependent group 2 enhancer GRCh37_chrX:13752241-13753440; plus strand). Cytogenetic location: Xp22.2.
Variant type: single nucleotide variant.
Coding change: c.50A>G on transcript NM_003611.3 (MANE Select); coding-DNA position 50, A replaced by G.
Protein change: p.Asp17Gly; replaces aspartic acid 17 with glycine.
Molecular consequence: missense variant. On other transcripts: 5 prime UTR variant (1).
Genome position (GRCh38, 1-based): chrX:13,735,285, A>G. VCF-style: chrX-13735285-A-G. GRCh37 (hg19) VCF-style: chrX-13753404-A-G.
Other names: NC_000023.10:g.13753404A>G; c.50A>G (NM_003611.2); c.50A>G, p.Asp17Gly (NM_001330209.2); c.-496A>G (NM_001330210.2); short protein forms D17G.
Identifiers: ClinVar variation 1199232 (VCV001199232.7), dbSNP rs2146904488, ClinGen allele CA412331500.